The following is an entry in ClinVar:

NM_020778.5(ALPK3):c.578T>C (p.Leu193Pro)

Gene: ALPK3 (alpha kinase 3; plus strand). Cytogenetic location: 15q25.3.
Variant type: single nucleotide variant.
Coding change: c.578T>C on transcript NM_020778.5 (MANE Select); coding-DNA position 578, T replaced by C.
Protein change: p.Leu193Pro; replaces leucine 193 with proline.
Molecular consequence: missense variant.
Genome position (GRCh38, 1-based): chr15:84,839,857, T>C. VCF-style: chr15-84839857-T-C. GRCh37 (hg19) VCF-style: chr15-85383088-T-C.
Other names: short protein forms L193P.
Identifiers: ClinVar variation 3676264 (VCV003676264.2).

ClinVar aggregate classification (germline): Uncertain significance (1 of 4 stars; one submission).

Submission:

Labcorp Genetics (formerly Invitae), Labcorp
Classification: Uncertain significance. Last evaluated: 2024-10-22. Review status: criteria provided, single submitter. Criteria: Invitae Variant Classification Sherloc (09022015). Collection method: clinical testing. Allele origin: germline.
Comment: This sequence change replaces leucine, which is neutral and non-polar, with proline, which is neutral and non-polar, at codon 395 of the ALPK3 protein (p.Leu395Pro). This variant is not present in population databases (gnomAD no frequency). This variant has not been reported in the literature in individuals affected with ALPK3-related conditions. Invitae Evidence Modeling of protein sequence and biophysical properties (such as structural, functional, and spatial information, amino acid conservation, physicochemical variation, residue mobility, and thermodynamic stability) indicates that this missense variant is expected to disrupt ALPK3 protein function with a positive predictive value of 80%. In summary, the available evidence is currently insufficient to determine the role of this variant in disease. Therefore, it has been classified as a Variant of Uncertain Significance.